The following is an entry in ClinVar:

ClinVar aggregate classification (germline): Uncertain significance (1 of 4 stars; one submission).

gnomAD v4.1: 69 of 1,611,284 alleles (0.0043%); highest among the groups gnomAD compares: South Asian, 0.032%; no homozygotes.

Submission:

Labcorp Genetics (formerly Invitae), Labcorp
Classification: Uncertain significance. Last evaluated: 2025-03-24. Review status: criteria provided, single submitter. Criteria: Invitae Variant Classification Sherloc (09022015). Collection method: clinical testing. Allele origin: germline.
Comment: This sequence change replaces arginine, which is basic and polar, with glutamine, which is neutral and polar, at codon 1068 of the TRIOBP protein (p.Arg1068Gln). This variant is present in population databases (rs554629664, gnomAD 0.03%). This variant has not been reported in the literature in individuals affected with TRIOBP-related conditions. An algorithm developed to predict the effect of missense changes on protein structure and function (PolyPhen-2) suggests that this variant is likely to be disruptive. In summary, the available evidence is currently insufficient to determine the role of this variant in disease. Therefore, it has been classified as a Variant of Uncertain Significance.

NM_001039141.3(TRIOBP):c.3203G>A (p.Arg1068Gln)

Gene: TRIOBP (TRIO and F-actin binding protein; plus strand). Cytogenetic location: 22q13.1.
Variant type: single nucleotide variant.
Coding change: c.3203G>A on transcript NM_001039141.3 (MANE Select); coding-DNA position 3203, G replaced by A.
Protein change: p.Arg1068Gln; replaces arginine 1068 with glutamine.
Molecular consequence: missense variant.
Genome position (GRCh38, 1-based): chr22:37,725,759, G>A. VCF-style: chr22-37725759-G-A. GRCh37 (hg19) VCF-style: chr22-38121766-G-A.
Other names: short protein forms R1068Q.
Identifiers: ClinVar variation 3659455 (VCV003659455.2).